The following is an entry in ClinVar:

NM_000748.3(CHRNB2):c.1201G>A (p.Gly401Arg)

Gene: CHRNB2 (cholinergic receptor nicotinic beta 2 subunit; plus strand). Cytogenetic location: 1q21.3.
Variant type: single nucleotide variant.
Coding change: c.1201G>A on transcript NM_000748.3 (MANE Select); coding-DNA position 1201, G replaced by A.
Protein change: p.Gly401Arg; replaces glycine 401 with arginine.
Molecular consequence: missense variant.
Genome position (GRCh38, 1-based): chr1:154,572,024, G>A. VCF-style: chr1-154572024-G-A. GRCh37 (hg19) VCF-style: chr1-154544500-G-A.
Other names: short protein forms G401R.
Identifiers: ClinVar variation 942298 (VCV000942298.6), dbSNP rs902984484, ClinGen allele CA30835089.

ClinVar aggregate classification (germline): Uncertain significance (1 of 4 stars; one submission).

Conditions:
Familial sleep-related hypermotor epilepsy. Also called: Autosomal Dominant Sleep-Related Hypermotor (Hyperkinetic) Epilepsy. Identifiers: Orphanet 98784, MedGen C3696898, MONDO:0000030.

Allele frequency attached by ClinVar (database versions not stated): gnomAD 0.00001; gnomAD exomes 0.00002; TOPMed 0.00002.
gnomAD v4.1: 11 of 1,533,286 alleles (0.00072%); highest among the groups gnomAD compares: East Asian, 0.0049%; no homozygotes.

Submission:

Labcorp Genetics (formerly Invitae), Labcorp
Classification: Uncertain significance. Last evaluated: 2022-11-28. Review status: criteria provided, single submitter. Criteria: Invitae Variant Classification Sherloc (09022015). Collection method: clinical testing. Allele origin: germline.
Comment: Advanced modeling of protein sequence and biophysical properties (such as structural, functional, and spatial information, amino acid conservation, physicochemical variation, residue mobility, and thermodynamic stability) performed at Invitae indicates that this missense variant is not expected to disrupt CHRNB2 protein function. In summary, the available evidence is currently insufficient to determine the role of this variant in disease. Therefore, it has been classified as a Variant of Uncertain Significance. ClinVar contains an entry for this variant (Variation ID: 942298). This variant has not been reported in the literature in individuals affected with CHRNB2-related conditions. The frequency data for this variant in the population databases is considered unreliable, as metrics indicate poor data quality at this position in the gnomAD database. This sequence change replaces glycine, which is neutral and non-polar, with arginine, which is basic and polar, at codon 401 of the CHRNB2 protein (p.Gly401Arg).